The following is an entry in ClinVar:

NM_000051.4(ATM):c.8155C>T (p.Arg2719Cys)

Genes: ATM (ATM serine/threonine kinase; plus strand), C11orf65 (chromosome 11 open reading frame 65; minus strand). Cytogenetic location: 11q22.3.
Variant type: single nucleotide variant.
Coding change: c.8155C>T on transcript NM_000051.4 (MANE Select); coding-DNA position 8155, C replaced by T.
Protein change: p.Arg2719Cys; replaces arginine 2719 with cysteine.
Molecular consequence: missense variant. On other transcripts: intron variant (2).
Genome position (GRCh38, 1-based): chr11:108,335,848, C>T. VCF-style: chr11-108335848-C-T. GRCh37 (hg19) VCF-style: chr11-108206575-C-T.
Other names: c.8155C>T, p.Arg2719Cys (NM_001351834.2); c.641-26777G>A (NM_001330368.2); c.695-556G>A (NM_001351110.2); short protein forms R2719C.
Identifiers: ClinVar variation 185832 (VCV000185832.41), dbSNP rs138526014, ClinGen allele CA193094.
Genomic context (GRCh38, chr11:108,335,848, plus strand): 5'-TGTGTTTTTATAATAAAATAAACTGTACTTGTTTATTCATGCTTAATTATTCTGAAGGGC[C>T]GTGATGACCTGAGACAAGATGCTGTCATGCAACAGGTCTTCCAGATGTGTAATACATTAC-3'
Protein context (NP_000042.3, residues 2709-2729): GKERRQLVKG[Arg2719Cys]DDLRQDAVMQ

ClinVar aggregate classification (germline): Uncertain significance. Review status: criteria provided, multiple submitters, no conflicts (2 of 4 stars). 16 submissions from 16 submitters: Uncertain significance (9). 7 of the submissions do not count toward it. Last evaluated 2025-12-29.

Conditions:
Astrocytoma IDH-mutant. Identifiers: MedGen C5669733.
ATM-related disorder. Also called: ATM-related disorders; ATM-related condition.
Familial cancer of breast. Also called: hereditary breast carcinoma; BREAST CANCER, FAMILIAL; Hereditary breast cancer. Identifiers: Orphanet 227535, MedGen C0346153, MONDO:0016419, OMIM 114480. Disease mechanism: loss of function.
Ataxia-telangiectasia syndrome (AT). Also called: ATAXIA-TELANGIECTASIA, COMPLEMENTATION GROUP A; ATAXIA-TELANGIECTASIA, FRESNO VARIANT; Ataxia-telangiectasia; Ataxia-telangiectasia, complementation group E; Cerebello-oculocutaneous telangiectasia; Immunodeficiency with ataxia telangiectasia. Identifiers: Orphanet 100, MedGen C0004135, MONDO:0008840, OMIM 208900.
Hereditary cancer-predisposing syndrome. Also called: Hereditary Cancer Syndrome; Tumor predisposition; Neoplastic Syndromes, Hereditary; Hereditary neoplastic syndrome. Identifiers: Orphanet 140162, MedGen C0027672, MeSH D009386, MONDO:0015356.

Allele frequency attached by ClinVar (database versions not stated): ExAC 0.00001; gnomAD 0.00001; gnomAD exomes 0.00001; TOPMed 0.00001; ESP Exome Variant Server 0.00008.
gnomAD v4.1: 20 of 1,611,848 alleles (0.0012%); highest among the groups gnomAD compares: South Asian, 0.0022%; no homozygotes.

Submissions (16):

Ambry Genetics
Classification: Uncertain significance for Hereditary cancer-predisposing syndrome. Last evaluated: 2025-12-29. Review status: criteria provided, single submitter. Criteria: Ambry Variant Classification Scheme 2023. Collection method: clinical testing. Allele origin: germline.
Comment: The p.R2719C variant (also known as c.8155C>T), located in coding exon 55 of the ATM gene, results from a C to T substitution at nucleotide position 8155. The arginine at codon 2719 is replaced by cysteine, an amino acid with highly dissimilar properties. In an assay testing ATM function, this variant showed a functionally normal result (Lee KS et al. Cell, 2025 Sep;188:5081-5099.e27). This amino acid position is well conserved in available vertebrate species. In addition, the in silico prediction for this alteration is inconclusive. Based on the available evidence, the clinical significance of this variant remains unclear.

Color Diagnostics, LLC DBA Color Health
Classification: Uncertain significance for Hereditary cancer-predisposing syndrome. Last evaluated: 2025-12-16. Review status: criteria provided, single submitter. Criteria: ACMG Guidelines, 2015. Collection method: clinical testing. Allele origin: germline.
Comment: This missense variant replaces arginine with cysteine at codon 2719 of the ATM protein. Computational prediction is inconclusive regarding the impact of this variant on protein structure and function. To our knowledge, functional studies have not been reported for this variant. This variant has been reported in several individuals affected with breast cancer, including one early-onset individual (PMID: 25503501, 28779002, 38136308). This variant has been detected in a breast cancer case-control meta-analysis in 7/60466 cases and 7/53461 unaffected individuals (PMID: 33471991LOVD DB-ID ATM_001407). This variant has been identified in 20/1611848 chromosomes in the general population by the Genome Aggregation Database (gnomAD). The available evidence is insufficient to determine the role of this variant in disease conclusively. Therefore, this variant is classified as a Variant of Uncertain Significance.

GeneDx
Classification: Uncertain significance. Last evaluated: 2025-07-01. Review status: criteria provided, single submitter. Criteria: GeneDx Variant Classification Process June 2021. Collection method: clinical testing. Allele origin: germline.
Comment: Identified in individuals with breast cancer (PMID: 25503501, 28779002); Not observed at significant frequency in large population cohorts (gnomAD); In silico analysis supports that this missense variant has a deleterious effect on protein structure/function; This variant is associated with the following publications: (PMID: 25503501, 28779002, 19781682, 38136308, 23532176, 15279808)

Center for Genomic Medicine, Rigshospitalet, Copenhagen University Hospital
Classification: Uncertain significance. Last evaluated: 2025-03-04. Review status: criteria provided, single submitter. Criteria: ACMG Guidelines, 2015. Collection method: clinical testing. Allele origin: germline.

Labcorp Genetics (formerly Invitae), Labcorp
Classification: Uncertain significance for Ataxia-telangiectasia syndrome. Last evaluated: 2025-01-31. Review status: criteria provided, single submitter. Criteria: Invitae Variant Classification Sherloc (09022015). Collection method: clinical testing. Allele origin: germline.
Comment: This sequence change replaces arginine, which is basic and polar, with cysteine, which is neutral and slightly polar, at codon 2719 of the ATM protein (p.Arg2719Cys). This variant is present in population databases (rs138526014, gnomAD 0.002%). This missense change has been observed in individual(s) with breast cancer (PMID: 25503501, 28779002). ClinVar contains an entry for this variant (Variation ID: 185832). Invitae Evidence Modeling of protein sequence and biophysical properties (such as structural, functional, and spatial information, amino acid conservation, physicochemical variation, residue mobility, and thermodynamic stability) has been performed for this missense variant. However, the output from this modeling did not meet the statistical confidence thresholds required to predict the impact of this variant on ATM protein function. In summary, the available evidence is currently insufficient to determine the role of this variant in disease. Therefore, it has been classified as a Variant of Uncertain Significance.

PreventionGenetics, part of Exact Sciences
Classification: Uncertain significance for ATM-related condition. Last evaluated: 2024-11-24. Review status: criteria provided, single submitter. Criteria: ACMG Guidelines, 2015. Collection method: clinical testing. Allele origin: germline.
Comment: The ATM c.8155C>T variant is predicted to result in the amino acid substitution p.Arg2719Cys. This variant was reported in individuals with breast cancer (Maxwell et al. 2015. PubMed ID: 25503501; Table S5, Decker et al. 2017. PubMed ID: 28779002). This variant is reported in 0.0026% of alleles in individuals of European (Non-Finnish) descent in gnomAD and is interpreted as uncertain in ClinVar. At this time, the clinical significance of this variant is uncertain due to the absence of conclusive functional and genetic evidence.

Baylor Genetics
Classification: Uncertain significance for Familial cancer of breast. Last evaluated: 2024-03-13. Review status: criteria provided, single submitter. Criteria: ACMG Guidelines, 2015. Collection method: clinical testing. Allele origin: unknown.

Mendelics
Classification: Uncertain significance. Last evaluated: 2022-05-04. Review status: criteria provided, single submitter. Criteria: Mendelics Assertion Criteria 2019. Collection method: clinical testing. Allele origin: germline.

Laboratory of Medical Genetics Unit, Bambino Gesù Children's Hospital
Classification: Uncertain significance for Astrocytoma IDH-mutant. Last evaluated: 2022-05-02. Review status: criteria provided, single submitter. Criteria: ACMG Guidelines, 2015. Collection method: research. Allele origin: paternal. Affected: yes. Observed: 1 heterozygote.

Natera, Inc.
Classification: Uncertain significance for Ataxia-telangiectasia. Last evaluated: 2020-09-16. Review status: no assertion criteria provided. Collection method: clinical testing. Allele origin: germline. Not counted in ClinVar's aggregate classification.

Counsyl
Classification: Uncertain significance for Ataxia-telangiectasia syndrome. Last evaluated: 2018-05-15. Review status: no assertion criteria provided. Collection method: clinical testing. Allele origin: unknown. Not counted in ClinVar's aggregate classification.

Clinical Genetics Laboratory, Department of Pathology, Netherlands Cancer Institute
Classification: Uncertain significance. Review status: no assertion criteria provided. Collection method: clinical testing. Allele origin: germline. Affected: yes. Study: VKGL Data-share Consensus. Not counted in ClinVar's aggregate classification.

Clinical Genetics, Academic Medical Center
Classification: Uncertain significance. Review status: no assertion criteria provided. Collection method: clinical testing. Allele origin: germline. Affected: yes. Study: VKGL Data-share Consensus. Not counted in ClinVar's aggregate classification.

Diagnostic Laboratory, Department of Genetics, University Medical Center Groningen
Classification: Uncertain significance. Review status: no assertion criteria provided. Collection method: clinical testing. Allele origin: germline. Affected: yes. Study: VKGL Data-share Consensus. Not counted in ClinVar's aggregate classification.

Genome Diagnostics Laboratory, Amsterdam University Medical Center
Classification: Uncertain significance. Review status: no assertion criteria provided. Collection method: clinical testing. Allele origin: germline. Affected: yes. Study: VKGL Data-share Consensus. Not counted in ClinVar's aggregate classification.

Joint Genome Diagnostic Labs from Nijmegen and Maastricht, Radboudumc and MUMC+
Classification: Uncertain significance. Review status: no assertion criteria provided. Collection method: clinical testing. Allele origin: germline. Affected: yes. Study: VKGL Data-share Consensus. Not counted in ClinVar's aggregate classification.

Literature cited by the submitters: PubMed 40580951 (cited by Ambry Genetics); PubMed 25503501 (cited by Color Diagnostics, LLC DBA Color Health and Labcorp Genetics (formerly Invitae), Labcorp); PubMed 28779002 (cited by Color Diagnostics, LLC DBA Color Health and Labcorp Genetics (formerly Invitae), Labcorp); PubMed 33471991 (cited by Color Diagnostics, LLC DBA Color Health); PubMed 38136308 (cited by Color Diagnostics, LLC DBA Color Health).